The following is an entry in ClinVar:

ClinVar aggregate classification (germline): Uncertain significance (1 of 4 stars; one submission).

Conditions:
Neuropathy, hereditary sensory, type 2C. Also called: Hereditary sensory and autonomic neuropathy type IIC; KIF1A-Related HSAN2 (HSAN2C). Identifiers: Orphanet 970, MedGen C3280168, MONDO:0013634, OMIM 614213.
Intellectual disability, autosomal dominant 9 (NESCAVS). Also called: KIF1A-Related Neurodevelopmental Disorder; NESCAV SYNDROME. Identifiers: Orphanet 662367, MedGen C5393830, MONDO:0013656, OMIM 614255.
Hereditary spastic paraplegia 30. Identifiers: Orphanet 101010, MedGen C5235139, MONDO:0012476.

Submission:

Labcorp Genetics (formerly Invitae), Labcorp
Classification: Uncertain significance for Hereditary spastic paraplegia 30; Neuropathy, hereditary sensory, type 2C; Intellectual disability, autosomal dominant 9. Last evaluated: 2020-02-05. Review status: criteria provided, single submitter. Criteria: Invitae Variant Classification Sherloc (09022015). Collection method: clinical testing. Allele origin: germline.
Comment: In summary, the available evidence is currently insufficient to determine the role of this variant in disease. Therefore, it has been classified as a Variant of Uncertain Significance. Algorithms developed to predict the effect of missense changes on protein structure and function (SIFT, PolyPhen-2, Align-GVGD) all suggest that this variant is likely to be tolerated, but these predictions have not been confirmed by published functional studies and their clinical significance is uncertain. This variant has not been reported in the literature in individuals with KIF1A-related conditions. This variant is not present in population databases (ExAC no frequency). This sequence change replaces glutamic acid with aspartic acid at codon 1262 of the KIF1A protein (p.Glu1262Asp). The glutamic acid residue is highly conserved and there is a small physicochemical difference between glutamic acid and aspartic acid.

NM_001244008.2(KIF1A):c.4089G>T (p.Glu1363Asp)

Gene: KIF1A (kinesin family member 1A; minus strand). Cytogenetic location: 2q37.3.
Variant type: single nucleotide variant.
Coding change: c.4089G>T on transcript NM_001244008.2 (MANE Select); coding-DNA position 4089, G replaced by T.
Protein change: p.Glu1363Asp; replaces glutamic acid 1363 with aspartic acid.
Molecular consequence: missense variant.
Genome position (GRCh38, 1-based): chr2:240,726,859, C>A on the plus strand (G>T on the coding strand, the complement: KIF1A is on the minus strand). VCF-style: chr2-240726859-C-A. GRCh37 (hg19) VCF-style: chr2-241666276-C-A.
Other names: c.3813G>T, p.Glu1271Asp (NM_001320705.2, NM_001379649.1); c.3840G>T, p.Glu1280Asp (NM_001330289.2); c.3888G>T, p.Glu1296Asp (NM_001330290.2, NM_001379648.1); c.4164G>T, p.Glu1388Asp (NM_001379631.1); c.4065G>T, p.Glu1355Asp (NM_001379632.1); c.4062G>T, p.Glu1354Asp (NM_001379633.1, NM_001379645.1); c.3915G>T, p.Glu1305Asp (NM_001379634.1); c.3912G>T, p.Glu1304Asp (NM_001379635.1, NM_001379646.1); and 7 more; short protein forms E1261D, E1262D, E1270D, E1271D, E1279D, E1280D, E1287D, E1296D.
Identifiers: ClinVar variation 1009195 (VCV001009195.11), dbSNP rs2046068443, ClinGen allele CA351309083.